The following is an entry in ClinVar:

NM_153252.5(BRWD3):c.4151A>G (p.Tyr1384Cys)

Gene: BRWD3 (bromodomain and WD repeat domain containing 3; minus strand). Cytogenetic location: Xq21.1.
Variant type: single nucleotide variant.
Coding change: c.4151A>G on transcript NM_153252.5 (MANE Select); coding-DNA position 4151, A replaced by G.
Protein change: p.Tyr1384Cys; replaces tyrosine 1384 with cysteine.
Molecular consequence: missense variant.
Genome position (GRCh38, 1-based): chrX:80,684,092, T>C on the plus strand (A>G on the coding strand, the complement: BRWD3 is on the minus strand). VCF-style: chrX-80684092-T-C. GRCh37 (hg19) VCF-style: chrX-79939591-T-C.
Other names: short protein forms Y1384C.
Identifiers: ClinVar variation 3384530 (VCV003384530.1).

ClinVar aggregate classification (germline): Uncertain significance (1 of 4 stars; one submission).

gnomAD v4.1: 7 of 1,203,914 alleles (0.00058%); highest among the groups gnomAD compares: Non-Finnish European, 0.00079%; no homozygotes.

Submission:

GeneDx
Classification: Uncertain significance. Last evaluated: 2024-06-08. Review status: criteria provided, single submitter. Criteria: GeneDx Variant Classification Process June 2021. Collection method: clinical testing. Allele origin: germline. Affected: yes.
Comment: Not observed at significant frequency in large population cohorts (gnomAD); In silico analysis supports that this missense variant has a deleterious effect on protein structure/function; Has not been previously published as pathogenic or benign to our knowledge